The following is an entry in ClinVar:

ClinVar aggregate classification (germline): Benign (1 of 4 stars; one submission).

Conditions:
Multiple endocrine neoplasia, type 1 (MEN1). Also called: MEN I; WERMER SYNDROME; Endocrine adenomatosis multiple; MEN 1; MEA I. Identifiers: Orphanet 652, MedGen C0025267, MeSH D018761, MONDO:0007540, OMIM 131100.

Submission:

Myriad Genetics, Inc.
Classification: Benign for Multiple endocrine neoplasia, type 1. Last evaluated: 2024-11-05. Review status: criteria provided, single submitter. Criteria: Myriad Autosomal Dominant, Autosomal Recessive and X-Linked Classification Criteria (2023). Collection method: clinical testing. Allele origin: unknown.
Comment: This variant is considered benign. This variant is a silent/synonymous amino acid change and it is not expected to impact splicing.

NM_001370259.2(MEN1):c.1518C>G (p.Thr506=)

Gene: MEN1 (menin 1; minus strand). Cytogenetic location: 11q13.1.
Variant type: single nucleotide variant.
Coding change: c.1518C>G on transcript NM_001370259.2 (MANE Select); coding-DNA position 1518, C replaced by G.
Protein change: p.Thr506=; no amino-acid change (threonine 506 retained).
Molecular consequence: synonymous variant. On other transcripts: non-coding transcript variant (4).
Genome position (GRCh38, 1-based): chr11:64,804,649, G>C on the plus strand (C>G on the coding strand, the complement: MEN1 is on the minus strand). VCF-style: chr11-64804649-G-C. GRCh37 (hg19) VCF-style: chr11-64572121-G-C.
Other names: c.1533C>G, p.Thr511= (NM_000244.4, NM_001407145.1, NM_130800.3 and 4 more transcripts); c.1644C>G, p.Thr548= (NM_001370251.2, NM_001407142.1, NM_001407143.1 and 1 more transcripts); c.1518C>G, p.Thr506= (NM_001370260.2, NM_001370261.2, NM_001407146.1 and 2 more transcripts); c.1413C>G, p.Thr471= (NM_001370262.2, NM_001370263.2, NM_001407148.1 and 1 more transcripts); c.1659C>G, p.Thr553= (NM_001407150.1); c.1539C>G, p.Thr513= (NM_001407151.1); c.1353C>G, p.Thr451= (NM_001407152.1).
Identifiers: ClinVar variation 3773320 (VCV003773320.1).